The following is an entry in ClinVar:

NM_002473.6(MYH9):c.4771-3C>G

Gene: MYH9 (myosin heavy chain 9; minus strand). Cytogenetic location: 22q12.3.
Variant type: single nucleotide variant.
Coding change: c.4771-3C>G on transcript NM_002473.6 (MANE Select); 3 bases into the intron before coding-DNA position 4771, C replaced by G.
Molecular consequence: intron variant.
Genome position (GRCh38, 1-based): chr22:36,288,416, G>C on the plus strand (C>G on the coding strand, the complement: MYH9 is on the minus strand). VCF-style: chr22-36288416-G-C. GRCh37 (hg19) VCF-style: chr22-36684462-G-C.
Identifiers: ClinVar variation 3059064 (VCV003059064.2), dbSNP rs1335015096, ClinGen allele CA1025464479.

ClinVar aggregate classification (germline): Likely benign (0 of 4 stars; one submission).

Conditions:
MYH9-related disorder. Identifiers: MedGen C1854520.

Allele frequency attached by ClinVar (database versions not stated): gnomAD 0.00001.
gnomAD v4.1: 1 of 1,608,106 alleles (0.000062%); highest among the groups gnomAD compares: Admixed American, 0.0017%; no homozygotes.

Submission:

PreventionGenetics, part of Exact Sciences
Classification: Likely benign for MYH9-related condition. Last evaluated: 2023-11-15. Review status: no assertion criteria provided. Collection method: clinical testing. Allele origin: germline.
Comment: This variant is classified as likely benign based on ACMG/AMP sequence variant interpretation guidelines (Richards et al. 2015 PMID: 25741868, with internal and published modifications).